The following is an entry in ClinVar:

ClinVar aggregate classification (germline): Uncertain significance (1 of 4 stars; one submission).

Conditions:
Hereditary sensory and autonomic neuropathy type 6. Also called: Neuropathy, hereditary sensory and autonomic, type VI; HSAN VI. Identifiers: Orphanet 314381, MedGen C3539003, MONDO:0013839, OMIM 614653.
Epidermolysis bullosa simplex 3, localized or generalized intermediate, with BP230 deficiency (EBS3). Also called: Epidermolysis bullosa simplex due to BP230 deficiency; Epidermolysis bullosa simplex, autosomal recessive 2. Identifiers: Orphanet 412181, MedGen C3809470, MONDO:0014180, OMIM 615425.

Allele frequency attached by ClinVar (database versions not stated): gnomAD exomes 0.00001.
gnomAD v4.1: 7 of 1,613,852 alleles (0.00043%); highest among the groups gnomAD compares: East Asian, 0.0045%; no homozygotes.

Submission:

Labcorp Genetics (formerly Invitae), Labcorp
Classification: Uncertain significance for Epidermolysis bullosa simplex 3, localized or generalized intermediate, with BP230 deficiency; Hereditary sensory and autonomic neuropathy type 6. Last evaluated: 2023-08-04. Review status: criteria provided, single submitter. Criteria: Invitae Variant Classification Sherloc (09022015). Collection method: clinical testing. Allele origin: germline.
Comment: In summary, the available evidence is currently insufficient to determine the role of this variant in disease. Therefore, it has been classified as a Variant of Uncertain Significance. An algorithm developed to predict the effect of missense changes on protein structure and function (PolyPhen-2) suggests that this variant is likely to be disruptive. ClinVar contains an entry for this variant (Variation ID: 1479811). This variant has not been reported in the literature in individuals affected with DST-related conditions. This variant is not present in population databases (gnomAD no frequency). This sequence change replaces lysine, which is basic and polar, with arginine, which is basic and polar, at codon 489 of the DST protein (p.Lys489Arg).

NM_001374736.1(DST):c.3077A>G (p.Lys1026Arg)

Gene: DST (dystonin; minus strand). Cytogenetic location: 6p12.1.
Variant type: single nucleotide variant.
Coding change: c.3077A>G on transcript NM_001374736.1 (MANE Select); coding-DNA position 3077, A replaced by G.
Protein change: p.Lys1026Arg; replaces lysine 1026 with arginine.
Molecular consequence: missense variant.
Genome position (GRCh38, 1-based): chr6:56,635,698, T>C on the plus strand (A>G on the coding strand, the complement: DST is on the minus strand). VCF-style: chr6-56635698-T-C. GRCh37 (hg19) VCF-style: chr6-56500496-T-C.
Other names: c.2978A>G, p.Lys993Arg (NM_001144769.5); c.2564A>G, p.Lys855Arg (NM_001144770.2); c.3077A>G, p.Lys1026Arg (NM_001374722.1); c.2444A>G, p.Lys815Arg (NM_001374729.1, NM_001374730.1, NM_001386100.1 and 1 more transcripts); c.3104A>G, p.Lys1035Arg (NM_001374734.1); c.1466A>G, p.Lys489Arg (NM_001723.7, NM_015548.5); short protein forms K993R, K855R, K1026R, K815R, K1035R, K489R.
Identifiers: ClinVar variation 1479811 (VCV001479811.8), dbSNP rs2098817634, ClinGen allele CA364576788.